The following is an entry in ClinVar:

ClinVar aggregate classification (germline): Likely benign. Review status: criteria provided, single submitter (1 of 4 stars). 2 submissions from 2 submitters: Likely benign (1). 1 of the submissions does not count toward it. Last evaluated 2023-12-09.

Conditions:
CC2D2A-related disorder. Also called: CC2D2A-related condition; CC2D2A-related disorders. Identifiers: MedGen CN239313.
Meckel-Gruber syndrome. Also called: Dysencephalia splachnocystica; DYSENCEPHALIA SPLANCHNOCYSTICA; GRUBER SYNDROME. Identifiers: Orphanet 564, MedGen C0265215, MONDO:0018921.
Joubert syndrome. Also called: Familial aplasia of the vermis; JOUBERT-BOLTSHAUSER SYNDROME. Identifiers: Orphanet 475, MedGen C5979921, MONDO:0018772.

Allele frequency attached by ClinVar (database versions not stated): gnomAD exomes below 0.00001 and 0.00002; ExAC 0.00003.
gnomAD v4.1: 3 of 1,608,858 alleles (0.00019%); highest among the groups gnomAD compares: East Asian, 0.0067%; no homozygotes.

Submissions (2):

Labcorp Genetics (formerly Invitae), Labcorp
Classification: Likely benign for Joubert syndrome; Meckel-Gruber syndrome. Last evaluated: 2023-12-09. Review status: criteria provided, single submitter. Criteria: Invitae Variant Classification Sherloc (09022015). Collection method: clinical testing. Allele origin: germline.

PreventionGenetics, part of Exact Sciences
Classification: Likely benign for CC2D2A-related condition. Last evaluated: 2024-07-26. Review status: no assertion criteria provided. Collection method: clinical testing. Allele origin: germline. Not counted in ClinVar's aggregate classification.
Comment: This variant is classified as likely benign based on ACMG/AMP sequence variant interpretation guidelines (Richards et al. 2015 PMID: 25741868, with internal and published modifications).

NM_001378615.1(CC2D2A):c.4080C>T (p.Leu1360=)

Genes: CC2D2A (coiled-coil and C2 domain containing 2A; plus strand), FBXL5 (F-box and leucine rich repeat protein 5; minus strand). Cytogenetic location: 4p15.32.
Variant type: single nucleotide variant.
Coding change: c.4080C>T on transcript NM_001378615.1 (MANE Select); coding-DNA position 4080, C replaced by T.
Protein change: p.Leu1360=; no amino-acid change (leucine 1360 retained).
Molecular consequence: synonymous variant.
Genome position (GRCh38, 1-based): chr4:15,587,830, C>T. VCF-style: chr4-15587830-C-T. GRCh37 (hg19) VCF-style: chr4-15589453-C-T.
Other names: c.4080C>T, p.Leu1360= (NM_001080522.2); c.3933C>T, p.Leu1311= (NM_001378617.1).
Identifiers: ClinVar variation 762894 (VCV000762894.11), dbSNP rs777093551, ClinGen allele CA2864318.
Genomic context (GRCh38, chr4:15,587,830, plus strand): 5'-ATAAAGCATTGAGTCATACAACATAATTTTTTTTTCTTTTTGTCAGCAATTTCTTGATCT[C>T]CTGGCAGGGGATGAAGAAGAACATGCAGTACTATTGTGTAATTACTTTCTGTCTCTGGGT-3'
Protein context (NP_001365544.1, residues 1350-1370): LWSTSDQFLD[Leu1360=]LAGDEEEHAV